The following is an entry in ClinVar:

NM_000535.7(PMS2):c.1525C>T (p.Pro509Ser)

Gene: PMS2 (PMS1 homolog 2, mismatch repair system component; minus strand). Cytogenetic location: 7p22.1.
Variant type: single nucleotide variant.
Coding change: c.1525C>T on transcript NM_000535.7 (MANE Select); coding-DNA position 1525, C replaced by T.
Protein change: p.Pro509Ser; replaces proline 509 with serine.
Molecular consequence: missense variant. On other transcripts: non-coding transcript variant (1).
Genome position (GRCh38, 1-based): chr7:5,987,240, G>A on the plus strand (C>T on the coding strand, the complement: PMS2 is on the minus strand). VCF-style: chr7-5987240-G-A. GRCh37 (hg19) VCF-style: chr7-6026871-G-A.
Other names: c.1120C>T, p.Pro374Ser (NM_001018040.1, NM_001322003.2, NM_001322004.2 and 17 more transcripts); c.1369C>T, p.Pro457Ser (NM_001322006.2, NM_001406870.1); c.1207C>T, p.Pro403Ser (NM_001322007.2, NM_001322008.2, NM_001406876.1 and 2 more transcripts); c.964C>T, p.Pro322Ser (NM_001322010.2, NM_001406906.1, NM_001406907.1); c.592C>T, p.Pro198Ser (NM_001322011.2, NM_001322012.2); c.952C>T, p.Pro318Ser (NM_001322013.2, NM_001406909.1); c.1525C>T, p.Pro509Ser (NM_001322014.2, NM_001406871.1, NM_001406872.1); c.1216C>T, p.Pro406Ser (NM_001322015.2, NM_001406875.1, NM_001406877.1 and 5 more transcripts); and 12 more; short protein forms P318S, P322S, P354S, P387S, P397S, P403S, P406S, P473S.
Identifiers: ClinVar variation 1774517 (VCV001774517.5), dbSNP rs2128728759, ClinGen allele CA366741671.

ClinVar aggregate classification (germline): Uncertain significance. Review status: criteria provided, multiple submitters, no conflicts (2 of 4 stars). 2 submissions from 2 submitters: Uncertain significance (2). Last evaluated 2022-11-04.

Conditions:
Hereditary nonpolyposis colorectal neoplasms. Identifiers: MedGen C0009405, MeSH D003123.
Hereditary cancer-predisposing syndrome. Also called: Hereditary Cancer Syndrome; Hereditary neoplastic syndrome; Neoplastic Syndromes, Hereditary; Tumor predisposition. Identifiers: Orphanet 140162, MedGen C0027672, MeSH D009386, MONDO:0015356.

gnomAD v4.1: 1 of 1,614,030 alleles (0.000062%); highest among the groups gnomAD compares: South Asian, 0.0011%; no homozygotes.

Submissions (2):

Labcorp Genetics (formerly Invitae), Labcorp
Classification: Uncertain significance for Hereditary nonpolyposis colorectal neoplasms. Last evaluated: 2022-11-04. Review status: criteria provided, single submitter. Criteria: Invitae Variant Classification Sherloc (09022015). Collection method: clinical testing. Allele origin: germline.
Comment: In summary, the available evidence is currently insufficient to determine the role of this variant in disease. Therefore, it has been classified as a Variant of Uncertain Significance. Advanced modeling of protein sequence and biophysical properties (such as structural, functional, and spatial information, amino acid conservation, physicochemical variation, residue mobility, and thermodynamic stability) performed at Invitae indicates that this missense variant is not expected to disrupt PMS2 protein function. This variant has not been reported in the literature in individuals affected with PMS2-related conditions. This variant is not present in population databases (gnomAD no frequency). This sequence change replaces proline, which is neutral and non-polar, with serine, which is neutral and polar, at codon 509 of the PMS2 protein (p.Pro509Ser).

Ambry Genetics
Classification: Uncertain significance for Hereditary cancer-predisposing syndrome. Last evaluated: 2019-10-23. Review status: criteria provided, single submitter. Criteria: Ambry Variant Classification Scheme 2023. Collection method: clinical testing. Allele origin: germline.
Comment: The p.P509S variant (also known as c.1525C>T), located in coding exon 11 of the PMS2 gene, results from a C to T substitution at nucleotide position 1525. The proline at codon 509 is replaced by serine, an amino acid with similar properties. This amino acid position is well conserved in available vertebrate species. In addition, this alteration is predicted to be tolerated by in silico analysis. Since supporting evidence is limited at this time, the clinical significance of this alteration remains unclear.